The following is an entry in ClinVar:

NM_019032.6(ADAMTSL4):c.1478A>G (p.Asp493Gly)

Genes: ADAMTSL4 (ADAMTS like 4; plus strand), ADAMTSL4-AS2 (ADAMTSL4 antisense RNA 2; minus strand). Cytogenetic location: 1q21.2.
Variant type: single nucleotide variant.
Coding change: c.1478A>G on transcript NM_019032.6 (MANE Select); coding-DNA position 1478, A replaced by G.
Protein change: p.Asp493Gly; replaces aspartic acid 493 with glycine.
Molecular consequence: missense variant.
Genome position (GRCh38, 1-based): chr1:150,556,268, A>G. VCF-style: chr1-150556268-A-G. GRCh37 (hg19) VCF-style: chr1-150528744-A-G.
Other names: c.1547A>G, p.Asp516Gly (NM_001288607.2, NM_001288608.2); c.1478A>G, p.Asp493Gly (NM_001378596.1, NM_025008.5); c.1478A>G (NM_019032.4); short protein forms D516G, D493G.
Identifiers: ClinVar variation 1983051 (VCV001983051.2), dbSNP rs762473848, ClinGen allele CA1078279.

ClinVar aggregate classification (germline): Uncertain significance. Review status: criteria provided, multiple submitters, no conflicts (2 of 4 stars). 2 submissions from 2 submitters: Uncertain significance (2). Last evaluated 2025-06-03.

Conditions:
Inborn genetic diseases. Identifiers: MedGen C0950123, MeSH D030342.

Allele frequency attached by ClinVar (database versions not stated): ExAC 0.00002; gnomAD exomes 0.00003; gnomAD 0.00001; TOPMed 0.00001.
gnomAD v4.1: 46 of 1,613,894 alleles (0.0029%); highest among the groups gnomAD compares: Non-Finnish European, 0.0038%; no homozygotes.

Submissions (2):

Ambry Genetics
Classification: Uncertain significance for Inborn genetic diseases. Last evaluated: 2025-06-03. Review status: criteria provided, single submitter. Criteria: Ambry Variant Classification Scheme 2023. Collection method: clinical testing. Allele origin: germline.

Labcorp Genetics (formerly Invitae), Labcorp
Classification: Uncertain significance. Last evaluated: 2022-02-17. Review status: criteria provided, single submitter. Criteria: Invitae Variant Classification Sherloc (09022015). Collection method: clinical testing. Allele origin: germline.
Comment: This sequence change replaces aspartic acid, which is acidic and polar, with glycine, which is neutral and non-polar, at codon 493 of the ADAMTSL4 protein (p.Asp493Gly). This variant is present in population databases (rs762473848, gnomAD 0.007%). This variant has not been reported in the literature in individuals affected with ADAMTSL4-related conditions. Algorithms developed to predict the effect of missense changes on protein structure and function are either unavailable or do not agree on the potential impact of this missense change (SIFT: "Deleterious"; PolyPhen-2: "Possibly Damaging"; Align-GVGD: "Class C15"). In summary, the available evidence is currently insufficient to determine the role of this variant in disease. Therefore, it has been classified as a Variant of Uncertain Significance.